The following is an entry in ClinVar:

ClinVar aggregate classification (germline): Uncertain significance (1 of 4 stars; one submission).

Submission:

Labcorp Genetics (formerly Invitae), Labcorp
Classification: Uncertain significance. Last evaluated: 2024-05-26. Review status: criteria provided, single submitter. Criteria: Invitae Variant Classification Sherloc (09022015). Collection method: clinical testing. Allele origin: germline.
Comment: This sequence change replaces glycine, which is neutral and non-polar, with arginine, which is basic and polar, at codon 376 of the MICAL1 protein (p.Gly376Arg). This variant is not present in population databases (gnomAD no frequency). This variant has not been reported in the literature in individuals affected with MICAL1-related conditions. Algorithms developed to predict the effect of missense changes on protein structure and function output the following: SIFT: "Not Available"; PolyPhen-2: "Possibly Damaging"; Align-GVGD: "Not Available". The arginine amino acid residue is found in multiple mammalian species, which suggests that this missense change does not adversely affect protein function. In summary, the available evidence is currently insufficient to determine the role of this variant in disease. Therefore, it has been classified as a Variant of Uncertain Significance.

NM_022765.4(MICAL1):c.1069G>A (p.Gly357Arg)

Gene: MICAL1 (microtubule associated monooxygenase, calponin and LIM domain containing 1; minus strand). Cytogenetic location: 6q21.
Variant type: single nucleotide variant.
Coding change: c.1069G>A on transcript NM_022765.4 (MANE Select); coding-DNA position 1069, G replaced by A.
Protein change: p.Gly357Arg; replaces glycine 357 with arginine.
Molecular consequence: missense variant. On other transcripts: intron variant (1).
Genome position (GRCh38, 1-based): chr6:109,450,422, C>T on the plus strand (G>A on the coding strand, the complement: MICAL1 is on the minus strand). VCF-style: chr6-109450422-C-T. GRCh37 (hg19) VCF-style: chr6-109771625-C-T.
Other names: c.1126G>A, p.Gly376Arg (NM_001286613.2); c.934-337G>A (NM_001159291.2); short protein forms G376R, G357R.
Identifiers: ClinVar variation 3654640 (VCV003654640.2).
Genomic context (GRCh38, chr6:109,450,422, plus strand): 5'-GAGCAGAACTCTCTGCCCGCATCATGCTCGTGAAGTCAAAGGCAGAGACATCAGGCTGCC[C>T]ATGGGCATCCTGGGCAAACTCTAGTTTCCCGAGCTTGCCATGGGTGGCAAAGTCAGCAGC-3'
Protein context (NP_073602.3, residues 347-367): GKLEFAQDAH[Gly357Arg]QPDVSAFDFT